The following is an entry in ClinVar:

NM_020442.6(VARS2):c.2962-3C>A

Gene: VARS2 (valyl-tRNA synthetase 2, mitochondrial; plus strand). Cytogenetic location: 6p21.33.
Variant type: single nucleotide variant.
Coding change: c.2962-3C>A on transcript NM_020442.6 (MANE Select); 3 bases into the intron before coding-DNA position 2962, C replaced by A.
Molecular consequence: intron variant.
Genome position (GRCh38, 1-based): chr6:30,925,877, C>A. VCF-style: chr6-30925877-C-A. GRCh37 (hg19) VCF-style: chr6-30893654-C-A.
Other names: c.3052-3C>A (NM_001167734.2); c.2542-3C>A (NM_001167733.3).
Identifiers: ClinVar variation 3257241 (VCV003257241.17).

ClinVar aggregate classification (germline): Uncertain significance (1 of 4 stars; one submission).

gnomAD v4.1: 75 of 1,612,532 alleles (0.0047%); highest among the groups gnomAD compares: Non-Finnish European, 0.006%; no homozygotes.

Submission:

CeGaT Center for Human Genetics Tuebingen
Classification: Uncertain significance. Last evaluated: 2024-07-01. Review status: criteria provided, single submitter. Criteria: CeGaT Center For Human Genetics Tuebingen Variant Classification Criteria Version 2. Collection method: clinical testing. Allele origin: germline. Affected: yes. Observed: 1 variant allele.
Comment: VARS2: PM2, BP4